The following is an entry in ClinVar:

ClinVar aggregate classification (germline): Uncertain significance (1 of 4 stars; one submission).

Conditions:
von Willebrand disease type 1 (VWD1). Also called: VON WILLEBRAND DISEASE, TYPE I; VWD, TYPE 1. Identifiers: Orphanet 166078, Orphanet 903, MedGen C1264039, MONDO:0008668, OMIM 193400. Inheritance: autosomal recessive or autosomal dominant.

Allele frequency attached by ClinVar (database versions not stated): gnomAD exomes below 0.00001.
gnomAD v4.1: 4 of 1,613,878 alleles (0.00025%); highest among the groups gnomAD compares: Non-Finnish European, 0.00034%; no homozygotes.

Submission:

ISTH-SSC Genomics in Thrombosis and Hemostasis, KU Leuven, Center for Molecular and Vascular Biology
Classification: Uncertain significance for von Willebrand disease type 1. Review status: criteria provided, single submitter. Criteria: ACMG Guidelines, 2015. Collection method: clinical testing. Allele origin: germline. Affected: yes. Observed: 1 heterozygote.
Comment: Submitted to the GoldVariant database by Kathleen Freson, Center for Molecular and Vascular Biology

NM_000552.5(VWF):c.7287+12T>G

Gene: VWF (von Willebrand factor; minus strand). Cytogenetic location: 12p13.31.
Variant type: single nucleotide variant.
Coding change: c.7287+12T>G on transcript NM_000552.5 (MANE Select); 12 bases into the intron after coding-DNA position 7287, T replaced by G.
Molecular consequence: intron variant.
Genome position (GRCh38, 1-based): chr12:5,981,774, A>C on the plus strand (T>G on the coding strand, the complement: VWF is on the minus strand). VCF-style: chr12-5981774-A-C. GRCh37 (hg19) VCF-style: chr12-6090940-A-C.
Identifiers: ClinVar variation 2572109 (VCV002572109.1), dbSNP rs1943608536, ClinGen allele CA2013855830.